The following is an entry in ClinVar:

NM_000051.4(ATM):c.3050A>G (p.Gln1017Arg)

Gene: ATM (ATM serine/threonine kinase; plus strand). Cytogenetic location: 11q22.3.
Variant type: single nucleotide variant.
Coding change: c.3050A>G on transcript NM_000051.4 (MANE Select); coding-DNA position 3050, A replaced by G.
Protein change: p.Gln1017Arg; replaces glutamine 1017 with arginine.
Molecular consequence: missense variant.
Genome position (GRCh38, 1-based): chr11:108,271,379, A>G. VCF-style: chr11-108271379-A-G. GRCh37 (hg19) VCF-style: chr11-108142106-A-G.
Other names: c.3050A>G, p.Gln1017Arg (NM_001351834.2); short protein forms Q1017R.
Identifiers: ClinVar variation 1799266 (VCV001799266.5), dbSNP rs2135554489, ClinGen allele CA382547603.

ClinVar aggregate classification (germline): Uncertain significance. Review status: criteria provided, multiple submitters, no conflicts (2 of 4 stars). 2 submissions from 2 submitters: Uncertain significance (2). Last evaluated 2024-02-23.

Conditions:
Hereditary cancer-predisposing syndrome. Also called: Neoplastic Syndromes, Hereditary; Tumor predisposition; Hereditary neoplastic syndrome; Hereditary Cancer Syndrome. Identifiers: Orphanet 140162, MedGen C0027672, MeSH D009386, MONDO:0015356.
Ataxia-telangiectasia syndrome (AT). Also called: Ataxia-telangiectasia, complementation group D; AT, COMPLEMENTATION GROUP C; ATAXIA-TELANGIECTASIA, COMPLEMENTATION GROUP A; ATAXIA-TELANGIECTASIA, FRESNO VARIANT; Ataxia-telangiectasia; LOUIS-BAR SYNDROME. Identifiers: Orphanet 100, MedGen C0004135, MONDO:0008840, OMIM 208900.

Submissions (2):

Ambry Genetics
Classification: Uncertain significance for Hereditary cancer-predisposing syndrome. Last evaluated: 2024-02-23. Review status: criteria provided, single submitter. Criteria: Ambry Variant Classification Scheme 2023. Collection method: clinical testing. Allele origin: germline.
Comment: The p.Q1017R variant (also known as c.3050A>G), located in coding exon 19 of the ATM gene, results from an A to G substitution at nucleotide position 3050. The glutamine at codon 1017 is replaced by arginine, an amino acid with highly similar properties. This amino acid position is well conserved in available vertebrate species. In addition, this alteration is predicted to be tolerated by in silico analysis. Since supporting evidence is limited at this time, the clinical significance of this alteration remains unclear.

Labcorp Genetics (formerly Invitae), Labcorp
Classification: Uncertain significance for Ataxia-telangiectasia syndrome. Last evaluated: 2023-07-22. Review status: criteria provided, single submitter. Criteria: Invitae Variant Classification Sherloc (09022015). Collection method: clinical testing. Allele origin: germline.
Comment: This variant is not present in population databases (gnomAD no frequency). This sequence change replaces glutamine, which is neutral and polar, with arginine, which is basic and polar, at codon 1017 of the ATM protein (p.Gln1017Arg). This variant has not been reported in the literature in individuals affected with ATM-related conditions. ClinVar contains an entry for this variant (Variation ID: 1799266). An algorithm developed to predict the effect of missense changes on protein structure and function (PolyPhen-2) suggests that this variant is likely to be tolerated. In summary, the available evidence is currently insufficient to determine the role of this variant in disease. Therefore, it has been classified as a Variant of Uncertain Significance.